The following is an entry in ClinVar:

NM_001142800.2(EYS):c.1639A>G (p.Ser547Gly)

Gene: EYS (eyes shut homolog; minus strand). Cytogenetic location: 6q12.
Variant type: single nucleotide variant.
Coding change: c.1639A>G on transcript NM_001142800.2 (MANE Select); coding-DNA position 1639, A replaced by G.
Protein change: p.Ser547Gly; replaces serine 547 with glycine.
Molecular consequence: missense variant.
Genome position (GRCh38, 1-based): chr6:65,335,107, T>C on the plus strand (A>G on the coding strand, the complement: EYS is on the minus strand). VCF-style: chr6-65335107-T-C. GRCh37 (hg19) VCF-style: chr6-66045000-T-C.
Other names: c.1639A>G, p.Ser547Gly (NM_001142801.2, NM_001292009.2, NM_198283.2); short protein forms S547G.
Identifiers: ClinVar variation 972574 (VCV000972574.7), dbSNP rs1769937284, ClinGen allele CA364661185.

ClinVar aggregate classification (germline): Uncertain significance (1 of 4 stars; one submission).

Allele frequency attached by ClinVar (database versions not stated): gnomAD exomes below 0.00001; TOPMed below 0.00001.

Submission:

Labcorp Genetics (formerly Invitae), Labcorp
Classification: Uncertain significance. Last evaluated: 2021-09-01. Review status: criteria provided, single submitter. Criteria: Invitae Variant Classification Sherloc (09022015). Collection method: clinical testing. Allele origin: germline.
Comment: This sequence change replaces serine with glycine at codon 547 of the EYS protein (p.Ser547Gly). The serine residue is weakly conserved and there is a small physicochemical difference between serine and glycine. This variant is not present in population databases (ExAC no frequency). This variant has not been reported in the literature in individuals affected with EYS-related conditions. Algorithms developed to predict the effect of missense changes on protein structure and function (SIFT, PolyPhen-2, Align-GVGD) all suggest that this variant is likely to be tolerated. In summary, the available evidence is currently insufficient to determine the role of this variant in disease. Therefore, it has been classified as a Variant of Uncertain Significance.